The following is an entry in ClinVar:

ClinVar aggregate classification (germline): Uncertain significance (1 of 4 stars; one submission).

gnomAD v4.1: 14 of 1,613,580 alleles (0.00087%); highest among the groups gnomAD compares: Non-Finnish European, 0.0011%; no homozygotes.

Submission:

GeneDx
Classification: Uncertain significance. Last evaluated: 2024-03-04. Review status: criteria provided, single submitter. Criteria: GeneDx Variant Classification Process June 2021. Collection method: clinical testing. Allele origin: germline. Affected: yes.
Comment: Not observed at significant frequency in large population cohorts (gnomAD); In silico analysis supports that this missense variant does not alter protein structure/function; Has not been previously published as pathogenic or benign to our knowledge

NM_001367561.1(DOCK7):c.109C>T (p.Leu37Phe)

Gene: DOCK7 (dedicator of cytokinesis 7; minus strand). Cytogenetic location: 1p31.3.
Variant type: single nucleotide variant.
Coding change: c.109C>T on transcript NM_001367561.1 (MANE Select); coding-DNA position 109, C replaced by T.
Protein change: p.Leu37Phe; replaces leucine 37 with phenylalanine.
Molecular consequence: missense variant.
Genome position (GRCh38, 1-based): chr1:62,663,060, G>A on the plus strand (C>T on the coding strand, the complement: DOCK7 is on the minus strand). VCF-style: chr1-62663060-G-A. GRCh37 (hg19) VCF-style: chr1-63128731-G-A.
Other names: c.109C>T, p.Leu37Phe (NM_001271999.2, NM_001272000.2, NM_001272001.2 and 3 more transcripts); short protein forms L37F.
Identifiers: ClinVar variation 3369703 (VCV003369703.1).